The following is an entry in ClinVar:

NM_004560.4(ROR2):c.1524G>A (p.Thr508=)

Gene: ROR2 (ROR family WNT receptor 2; minus strand). Cytogenetic location: 9q22.31.
Variant type: single nucleotide variant.
Coding change: c.1524G>A on transcript NM_004560.4 (MANE Select); coding-DNA position 1524, G replaced by A.
Protein change: p.Thr508=; no amino-acid change (threonine 508 retained).
Molecular consequence: synonymous variant.
Genome position (GRCh38, 1-based): chr9:91,724,970, C>T on the plus strand (G>A on the coding strand, the complement: ROR2 is on the minus strand). VCF-style: chr9-91724970-C-T. GRCh37 (hg19) VCF-style: chr9-94487252-C-T.
Identifiers: ClinVar variation 721154 (VCV000721154.12), dbSNP rs114395148, ClinGen allele CA5120663.

ClinVar aggregate classification (germline): Likely benign. Review status: criteria provided, multiple submitters, no conflicts (2 of 4 stars). 3 submissions from 3 submitters: Likely benign (2). 1 of the submissions does not count toward it. Last evaluated 2025-04-11.

Conditions:
ROR2-related disorder. Also called: ROR2-related condition; ROR2-related disorders.
Brachydactyly type B1 (BDB1). Identifiers: Orphanet 572385, Orphanet 93383, MedGen C1862112, MONDO:0007220, OMIM 113000.
Autosomal recessive Robinow syndrome (RRS1). Also called: COSTOVERTEBRAL SEGMENTATION DEFECT WITH MESOMELIA; COVESDEM SYNDROME; ROBINOW SYNDROME, AUTOSOMAL RECESSIVE 1; ROR2-Related Robinow Syndrome. Identifiers: Orphanet 1507, Orphanet 97360, MedGen C5399974, MONDO:0009999, OMIM 268310.

Allele frequency attached by ClinVar (database versions not stated): gnomAD 0.00013; gnomAD exomes 0.00020; ExAC 0.00029; TOPMed 0.00035; 1000 Genomes Project 0.00040; 1000 Genomes Project 30x 0.00062; ESP Exome Variant Server 0.00062.
gnomAD v4.1: 216 of 1,613,752 alleles (0.013%); highest among the groups gnomAD compares: African/African-American, 0.091%; no homozygotes.

Submissions (3):

Labcorp Genetics (formerly Invitae), Labcorp
Classification: Likely benign. Last evaluated: 2025-04-11. Review status: criteria provided, single submitter. Criteria: Invitae Variant Classification Sherloc (09022015). Collection method: clinical testing. Allele origin: germline.

Fulgent Genetics
Classification: Likely benign for Brachydactyly type B1; Autosomal recessive Robinow syndrome. Last evaluated: 2021-08-17. Review status: criteria provided, single submitter. Criteria: ACMG Guidelines, 2015. Collection method: clinical testing. Allele origin: unknown.

PreventionGenetics, part of Exact Sciences
Classification: Likely benign for ROR2-related condition. Last evaluated: 2021-09-27. Review status: no assertion criteria provided. Collection method: clinical testing. Allele origin: germline. Not counted in ClinVar's aggregate classification.
Comment: This variant is classified as likely benign based on ACMG/AMP sequence variant interpretation guidelines (Richards et al. 2015 PMID: 25741868, with internal and published modifications).